The following is an entry in ClinVar:

NM_001999.4(FBN2):c.3721A>G (p.Thr1241Ala)

Gene: FBN2 (fibrillin 2; minus strand). Cytogenetic location: 5q23.3.
Variant type: single nucleotide variant.
Coding change: c.3721A>G on transcript NM_001999.4 (MANE Select); coding-DNA position 3721, A replaced by G.
Protein change: p.Thr1241Ala; replaces threonine 1241 with alanine.
Molecular consequence: missense variant.
Genome position (GRCh38, 1-based): chr5:128,335,991, T>C on the plus strand (A>G on the coding strand, the complement: FBN2 is on the minus strand). VCF-style: chr5-128335991-T-C. GRCh37 (hg19) VCF-style: chr5-127671683-T-C.
Other names: short protein forms T1241A.
Identifiers: ClinVar variation 429331 (VCV000429331.5), dbSNP rs754701797, ClinGen allele CA3395163.

ClinVar aggregate classification (germline): Uncertain significance. Review status: criteria provided, multiple submitters, no conflicts (2 of 4 stars). 2 submissions from 2 submitters: Uncertain significance (2). Last evaluated 2025-12-10.

Conditions:
Familial thoracic aortic aneurysm and aortic dissection (TAAD). Also called: Thoracic aortic aneurysms and dissections. Identifiers: Orphanet 91387, MedGen C4707243, MONDO:0019625.

Allele frequency attached by ClinVar (database versions not stated): gnomAD exomes below 0.00001 and 0.00001; TOPMed 0.00001; ExAC 0.00003.
gnomAD v4.1: 4 of 1,614,078 alleles (0.00025%); highest among the groups gnomAD compares: Admixed American, 0.0017%; no homozygotes.

Submissions (2):

Ambry Genetics
Classification: Uncertain significance for Familial thoracic aortic aneurysm and aortic dissection. Last evaluated: 2025-12-10. Review status: criteria provided, single submitter. Criteria: Ambry Variant Classification Scheme 2023. Collection method: clinical testing. Allele origin: germline.
Comment: The p.T1241A variant (also known as c.3721A>G), located in coding exon 28 of the FBN2 gene, results from an A to G substitution at nucleotide position 3721. The threonine at codon 1241 is replaced by alanine, an amino acid with similar properties. This amino acid position is not well conserved in available vertebrate species. In addition, the in silico prediction for this alteration is inconclusive. Since supporting evidence is limited at this time, the clinical significance of this alteration remains unclear.

GeneDx
Classification: Uncertain significance. Last evaluated: 2017-05-04. Review status: criteria provided, single submitter. Criteria: GeneDx Variant Classification (06012015). Collection method: clinical testing. Allele origin: germline. Affected: yes.
Comment: The T1241A variant of uncertain significance in the FBN2 gene has not been published as pathogenic or been reported as benign to our knowledge. This variant is not observed at a significant frequency in large population cohorts (Lek et al., 2016; 1000 Genomes Consortium et al., 2015; Exome Variant Server). The T1241A variant is a non-conservative amino acid substitution, which is likely to impact secondary protein structure as these residues differ in polarity, charge, size and/or other properties. However, this substitution occurs at a position that is not conserved across species, and in silico analysis is inconsistent in its predictions as to whether or not the variant is damaging to the protein structure/function. Furthermore, although the T1241A variant occurs within a calcium-binding EGF-like domain of the FBN2 gene, it does not affect a Cysteine residue. Cysteine substitutions in the calcium-binding EGF-like domains represent the majority of pathogenic missense changes associated with congenital arachnodactyly (Collod-Beroud et al., 2003; FrÃ©dÃ©ric et al., 2009).